The following is an entry in ClinVar:

ClinVar aggregate classification (germline): Uncertain significance (1 of 4 stars; one submission).

Conditions:
TTN-related disorder. Also called: TTN-related disorders; TTN-related condition; TTN-related disease.

gnomAD v4.1: 11 of 1,614,110 alleles (0.00068%); highest among the groups gnomAD compares: African/African-American, 0.013%; no homozygotes.

Submission:

PreventionGenetics, part of Exact Sciences
Classification: Uncertain significance for TTN-related condition. Last evaluated: 2025-08-01. Review status: criteria provided, single submitter. Criteria: ACMG Guidelines, 2015. Collection method: clinical testing. Allele origin: germline.
Comment: The TTN c.2993C>G variant is predicted to result in the amino acid substitution p.Ala998Gly. To our knowledge, this variant has not been reported in the literature. This variant is reported in 0.012% of alleles in individuals of African descent in gnomAD. At this time, the clinical significance of this variant is uncertain due to the absence of conclusive functional and genetic evidence.

NM_001267550.2(TTN):c.2993C>G (p.Ala998Gly)

Gene: TTN (titin; minus strand). Cytogenetic location: 2q31.2.
Variant type: single nucleotide variant.
Coding change: c.2993C>G on transcript NM_001267550.2 (MANE Select); coding-DNA position 2993, C replaced by G.
Protein change: p.Ala998Gly; replaces alanine 998 with glycine.
Molecular consequence: missense variant.
Genome position (GRCh38, 1-based): chr2:178,782,913, G>C on the plus strand (C>G on the coding strand, the complement: TTN is on the minus strand). VCF-style: chr2-178782913-G-C. GRCh37 (hg19) VCF-style: chr2-179647640-G-C.
Other names: c.2993C>G, p.Ala998Gly (NM_001256850.1, NM_133378.4, NM_133379.5); c.2855C>G, p.Ala952Gly (NM_003319.4, NM_133432.3, NM_133437.4); short protein forms A998G, A952G.
Identifiers: ClinVar variation 4984427 (VCV004984427.1).